The following is an entry in ClinVar:

ClinVar aggregate classification (germline): Uncertain significance (1 of 4 stars; one submission).

Conditions:
Early-infantile DEE. Also called: Ohtahara syndrome; Early infantile epileptic encephalopathy with suppression bursts; Early infantile epileptic encephalopathy. Identifiers: Orphanet 1934, MedGen C0393706, MONDO:0800491.

Submission:

Labcorp Genetics (formerly Invitae), Labcorp
Classification: Uncertain significance for Early-infantile DEE. Last evaluated: 2022-09-01. Review status: criteria provided, single submitter. Criteria: Invitae Variant Classification Sherloc (09022015). Collection method: clinical testing. Allele origin: germline.
Comment: In summary, the available evidence is currently insufficient to determine the role of this variant in disease. Therefore, it has been classified as a Variant of Uncertain Significance. Algorithms developed to predict the effect of missense changes on protein structure and function (SIFT, PolyPhen-2, Align-GVGD) all suggest that this variant is likely to be tolerated. ClinVar contains an entry for this variant (Variation ID: 1045727). This variant has not been reported in the literature in individuals affected with SCN8A-related conditions. This variant is not present in population databases (gnomAD no frequency). This sequence change replaces glycine, which is neutral and non-polar, with aspartic acid, which is acidic and polar, at codon 596 of the SCN8A protein (p.Gly596Asp).

NM_001330260.2(SCN8A):c.1787G>A (p.Gly596Asp)

Gene: SCN8A (sodium voltage-gated channel alpha subunit 8; plus strand). Cytogenetic location: 12q13.13.
Variant type: single nucleotide variant.
Coding change: c.1787G>A on transcript NM_001330260.2 (MANE Select); coding-DNA position 1787, G replaced by A.
Protein change: p.Gly596Asp; replaces glycine 596 with aspartic acid.
Molecular consequence: missense variant.
Genome position (GRCh38, 1-based): chr12:51,721,697, G>A. VCF-style: chr12-51721697-G-A. GRCh37 (hg19) VCF-style: chr12-52115481-G-A.
Other names: c.1787G>A, p.Gly596Asp (NM_001177984.3, NM_001369788.1, NM_014191.4); short protein forms G596D.
Identifiers: ClinVar variation 1045727 (VCV001045727.7), dbSNP rs879267224, ClinGen allele CA236266935.